The following is an entry in ClinVar:

ClinVar aggregate classification (germline): Likely pathogenic (1 of 4 stars; one submission).

Conditions:
3M syndrome 1. Also called: 3-M Syndrome, CUL7-Related. Identifiers: Orphanet 2616, MedGen C2678312, MONDO:0010117, OMIM 273750.

Submission:

Neuberg Centre For Genomic Medicine, NCGM
Classification: Likely pathogenic for 3M syndrome 1. Review status: criteria provided, single submitter. Criteria: ACMG Guidelines, 2015. Collection method: clinical testing. Allele origin: germline. Inheritance: Autosomal recessive inheritance. Affected: yes.
Comment: The splice site c.1563_1569+5del variant in CUL7 gene has not been reported previously as a pathogenic variant nor as a benign variant, to our knowledge. The c.1563_1569+5del variant is novel (not in any individuals) in gnomAD Exomes and 1000 Genomes. Loss of function variants have been previously reported to be disease causing. For these reasons, this variant has been classified as Likely Pathogenic.

NM_014780.5(CUL7):c.1563_1569+5del

Gene: CUL7 (cullin 7; minus strand). Cytogenetic location: 6p21.1.
Variant type: Deletion.
Coding change: c.1563_1569+5del on transcript NM_014780.5 (MANE Select); coding-DNA position 1563 through 5 bases into the intron after coding-DNA position 1569, 12 bases deleted (TGGGGAGGTAGA).
Molecular consequence: splice donor variant.
Genome position (GRCh38, 1-based): chr6:43,049,958-43,049,969, TCTACCTCCCCA deleted on the plus strand (TGGGGAGGTAGA on the coding strand, the reverse complement: CUL7 is on the minus strand); deleting any 12 consecutive bases within chr6:43,049,958-43,049,973 gives the same sequence; the c. name uses the placement nearest the transcript's 3' end. VCF-style (leftmost placement, unchanged base first): chr6-43049957-CTCTACCTCCCCA-C. GRCh37 (hg19) VCF-style: chr6-43017695-CTCTACCTCCCCA-C.
Other names: c.1659_1665+5del (NM_001168370.2, NM_001374872.1); c.1563_1569+5del (NM_001374874.1, NM_001374873.1).
Identifiers: ClinVar variation 2585106 (VCV002585106.1), dbSNP rs2532713532, ClinGen allele CA2582341700.
Genomic context (GRCh38, chr6:43,049,957, plus strand): 5'-GCTCTATACAGTCCAGCCCTTGCAATAGAGCCCTCCAACCTCTGAGTGTCTCCAGGCTGG[CTCTACCTCCCCA>C]TCTAGGTTCTCCTGGAGGATCTGGAGAACCTCCTGATGGTCAGGTCCATCCAGCTTCTTG-3'